The following is an entry in ClinVar:

ClinVar aggregate classification (germline): Uncertain significance (1 of 4 stars; one submission).

Allele frequency attached by ClinVar (database versions not stated): gnomAD exomes below 0.00001.
gnomAD v4.1: 3 of 1,567,608 alleles (0.00019%); highest among the groups gnomAD compares: Non-Finnish European, 0.00026%; no homozygotes.

Submission:

Labcorp Genetics (formerly Invitae), Labcorp
Classification: Uncertain significance. Last evaluated: 2020-08-06. Review status: criteria provided, single submitter. Criteria: Invitae Variant Classification Sherloc (09022015). Collection method: clinical testing. Allele origin: germline.
Comment: In summary, the available evidence is currently insufficient to determine the role of this variant in disease. Therefore, it has been classified as a Variant of Uncertain Significance. Algorithms developed to predict the effect of missense changes on protein structure and function output the following: SIFT: "Tolerated"; PolyPhen-2: "Benign"; Align-GVGD: "Class C0". The aspartic acid amino acid residue is found in multiple mammalian species, suggesting that this missense change does not adversely affect protein function. These predictions have not been confirmed by published functional studies and their clinical significance is uncertain. This variant has not been reported in the literature in individuals with SZT2-related conditions. This variant is not present in population databases (ExAC no frequency). This sequence change replaces glycine with aspartic acid at codon 1753 of the SZT2 protein (p.Gly1753Asp). The glycine residue is moderately conserved and there is a moderate physicochemical difference between glycine and aspartic acid.

NM_001365999.1(SZT2):c.5429G>A (p.Gly1810Asp)

Gene: SZT2 (SZT2 subunit of KICSTOR complex; plus strand). Cytogenetic location: 1p34.2.
Variant type: single nucleotide variant.
Coding change: c.5429G>A on transcript NM_001365999.1 (MANE Select); coding-DNA position 5429, G replaced by A.
Protein change: p.Gly1810Asp; replaces glycine 1810 with aspartic acid.
Molecular consequence: missense variant.
Genome position (GRCh38, 1-based): chr1:43,432,426, G>A. VCF-style: chr1-43432426-G-A. GRCh37 (hg19) VCF-style: chr1-43898097-G-A.
Other names: c.5258G>A, p.Gly1753Asp (NM_015284.4); short protein forms G1753D, G1810D.
Identifiers: ClinVar variation 1007370 (VCV001007370.8), dbSNP rs1654008641, ClinGen allele CA340025192.